The following is an entry in ClinVar:

NM_001101426.4(CRPPA):c.*3087G>A

Gene: CRPPA (CDP-L-ribitol pyrophosphorylase A; minus strand). Cytogenetic location: 7p21.2.
Variant type: single nucleotide variant.
Coding change: c.*3087G>A on transcript NM_001101426.4 (MANE Select); 3087 bases downstream of the stop codon, G replaced by A.
Molecular consequence: 3 prime UTR variant. On other transcripts: non-coding transcript variant (1).
Genome position (GRCh38, 1-based): chr7:16,088,608, C>T on the plus strand (G>A on the coding strand, the complement: CRPPA is on the minus strand). VCF-style: chr7-16088608-C-T. GRCh37 (hg19) VCF-style: chr7-16128233-C-T.
Other names: c.*3087G>A (NM_001101417.4, NM_001368197.1).
Identifiers: ClinVar variation 359506 (VCV000359506.5), dbSNP rs148322529, ClinGen allele CA10625636.

ClinVar aggregate classification (germline): Likely benign (1 of 4 stars; one submission).

Conditions:
Congenital Muscular Dystrophy, alpha-dystroglycan related.

Allele frequency attached by ClinVar (database versions not stated): gnomAD exomes 0.01667; 1000 Genomes Project 0.00599; 1000 Genomes Project 30x 0.00609; gnomAD 0.00802 and 0.00813; TOPMed 0.00812.
gnomAD v4.1: 1,233 of 152,170 alleles (0.81%); highest among the groups gnomAD compares: Non-Finnish European, 1.2%; 10 homozygotes.

Submission:

Illumina Laboratory Services, Illumina
Classification: Likely benign for Congenital Muscular Dystrophy, alpha-dystroglycan related. Last evaluated: 2018-01-13. Review status: criteria provided, single submitter. Criteria: ICSL Variant Classification Criteria 13 December 2019. Collection method: clinical testing. Allele origin: germline.
Comment: This variant was observed in the ICSL laboratory as part of a predisposition screen in an ostensibly healthy population. It had not been previously curated by ICSL or reported in the Human Gene Mutation Database (HGMD: prior to June 1st, 2018), and was therefore a candidate for classification through an automated scoring system. Utilizing variant allele frequency, disease prevalence and penetrance estimates, and inheritance mode, an automated score was calculated to assess if this variant is too frequent to cause the disease. Based on the score and internal cut-off values, a variant classified as likely benign is not then subjected to further curation. The score for this variant resulted in a classification of likely benign for this disease.